The following is an entry in ClinVar:

NM_203447.4(DOCK8):c.3801T>A (p.Asn1267Lys)

Gene: DOCK8 (dedicator of cytokinesis 8; plus strand). Cytogenetic location: 9p24.3.
Variant type: single nucleotide variant.
Coding change: c.3801T>A on transcript NM_203447.4 (MANE Select); coding-DNA position 3801, T replaced by A.
Protein change: p.Asn1267Lys; replaces asparagine 1267 with lysine.
Molecular consequence: missense variant.
Genome position (GRCh38, 1-based): chr9:418,168, T>A. VCF-style: chr9-418168-T-A. GRCh37 (hg19) VCF-style: chr9-418168-T-A.
Other names: c.3501T>A, p.Asn1167Lys (NM_001190458.2); c.3597T>A, p.Asn1199Lys (NM_001193536.2); short protein forms N1167K, N1267K, N1199K.
Identifiers: ClinVar variation 1399225 (VCV001399225.8), dbSNP rs2131622655, ClinGen allele CA372762361.

ClinVar aggregate classification (germline): Uncertain significance (1 of 4 stars; one submission).

Conditions:
Combined immunodeficiency due to DOCK8 deficiency (HIES2). Also called: Hyper-IgE recurrent infection syndrome, autosomal recessive; HIES autosomal recessive; HYPER-IgE RECURRENT INFECTION SYNDROME 2, AUTOSOMAL RECESSIVE; DOCK8 Deficiency; HYPER-IgE SYNDROME 2, AUTOSOMAL RECESSIVE, WITH RECURRENT INFECTIONS. Identifiers: Orphanet 217390, MedGen C4722305, MONDO:0009478, OMIM 243700.

Submission:

Labcorp Genetics (formerly Invitae), Labcorp
Classification: Uncertain significance for Combined immunodeficiency due to DOCK8 deficiency. Last evaluated: 2020-12-22. Review status: criteria provided, single submitter. Criteria: Invitae Variant Classification Sherloc (09022015). Collection method: clinical testing. Allele origin: germline.
Comment: In summary, the available evidence is currently insufficient to determine the role of this variant in disease. Therefore, it has been classified as a Variant of Uncertain Significance. Algorithms developed to predict the effect of missense changes on protein structure and function (SIFT, PolyPhen-2, Align-GVGD) all suggest that this variant is likely to be tolerated, but these predictions have not been confirmed by published functional studies and their clinical significance is uncertain. This variant has not been reported in the literature in individuals with DOCK8-related conditions. This variant is not present in population databases (ExAC no frequency). This sequence change replaces asparagine with lysine at codon 1267 of the DOCK8 protein (p.Asn1267Lys). The asparagine residue is weakly conserved and there is a moderate physicochemical difference between asparagine and lysine.